The following is an entry in ClinVar:

ClinVar aggregate classification (germline): Uncertain significance (1 of 4 stars; one submission).

Allele frequency attached by ClinVar (database versions not stated): TOPMed below 0.00001.
gnomAD v4.1: 1 of 1,609,870 alleles (0.000062%); highest among the groups gnomAD compares: East Asian, 0.0022%; no homozygotes.

Submission:

Ambry Genetics
Classification: Uncertain significance. Last evaluated: 2024-03-07. Review status: criteria provided, single submitter. Criteria: Ambry Variant Classification Scheme 2023. Collection method: clinical testing. Allele origin: germline.
Comment: Does not currently meet published gene-disease clinical validity criteria Based on insufficient or conflicting evidence, the clinical significance of this alteration remains unclear.

Literature cited by the submitters: PubMed 28106320.

NM_000482.4(APOA4):c.404T>C (p.Leu135Pro)

Gene: APOA4 (apolipoprotein A4; minus strand). Cytogenetic location: 11q23.3.
Variant type: single nucleotide variant.
Coding change: c.404T>C on transcript NM_000482.4 (MANE Select); coding-DNA position 404, T replaced by C.
Protein change: p.Leu135Pro; replaces leucine 135 with proline.
Molecular consequence: missense variant.
Genome position (GRCh38, 1-based): chr11:116,821,654, A>G on the plus strand (T>C on the coding strand, the complement: APOA4 is on the minus strand). VCF-style: chr11-116821654-A-G. GRCh37 (hg19) VCF-style: chr11-116692370-A-G.
Other names: short protein forms L135P.
Identifiers: ClinVar variation 3127889 (VCV003127889.1), dbSNP rs748316209, ClinGen allele CA382702610.
Genomic context (GRCh38, chr11:116,821,654, plus strand): 5'-CGCCGCAGCTGCTCGGCCTGCGTGCTGACCTGGGTGCGCAGCTGGTCCGCGTAGGGCTCC[A>G]GGCGCTGCTGAAGCTCTCGCAGGTTGTCCCCGATCTTCTGGCTCACCTCATTGGCATGGG-3'
Protein context (NP_000473.2, residues 125-145): GDNLRELQQR[Leu135Pro]EPYADQLRTQ